The following is an entry in ClinVar:

NM_014550.4(CARD10):c.790AAGGAG[6] (p.Glu273_Pro274insLysGlu)

Gene: CARD10 (caspase recruitment domain family member 10; minus strand). Cytogenetic location: 22q13.1.
Variant type: Microsatellite.
Coding change: c.790AAGGAG[6] on transcript NM_014550.4 (MANE Select); six copies in a row of the 6-base unit AAGGAG starting at c.790; the reference has five copies in a row; one copy, 6 bases duplicated.
Protein change: p.Glu273_Pro274insLysGlu.
Genome position (GRCh38, 1-based): chr22:37,510,302-37,510,307, CTCCTT duplicated on the plus strand (AAGGAG on the coding strand, the reverse complement: CARD10 is on the minus strand); duplicating any 6 consecutive bases within chr22:37,510,302-37,510,336 gives the same sequence; the position shown is the placement nearest the transcript's 3' end. VCF-style (leftmost placement, unchanged base first): chr22-37510301-G-GCTCCTT. GRCh37 (hg19) VCF-style: chr22-37906308-G-GCTCCTT.
Identifiers: ClinVar variation 3056047 (VCV003056047.2), dbSNP rs60611523, ClinGen allele CA10220071.

ClinVar aggregate classification (germline): Benign (0 of 4 stars; one submission).

Conditions:
CARD10-related disorder. Also called: CARD10-related condition.

Submission:

PreventionGenetics, part of Exact Sciences
Classification: Benign for CARD10-related condition. Last evaluated: 2019-02-22. Review status: no assertion criteria provided. Collection method: clinical testing. Allele origin: germline.
Comment: This variant is classified as benign based on ACMG/AMP sequence variant interpretation guidelines (Richards et al. 2015 PMID: 25741868, with internal and published modifications).